The following is an entry in ClinVar:

NM_003086.4(SNAPC4):c.3699G>T (p.Gly1233=)

Gene: SNAPC4 (small nuclear RNA activating complex polypeptide 4; minus strand). Cytogenetic location: 9q34.3.
Variant type: single nucleotide variant.
Coding change: c.3699G>T on transcript NM_003086.4 (MANE Select); coding-DNA position 3699, G replaced by T.
Protein change: p.Gly1233=; no amino-acid change (glycine 1233 retained).
Molecular consequence: synonymous variant.
Genome position (GRCh38, 1-based): chr9:136,378,128, C>A on the plus strand (G>T on the coding strand, the complement: SNAPC4 is on the minus strand). VCF-style: chr9-136378128-C-A. GRCh37 (hg19) VCF-style: chr9-139272580-C-A.
Other names: c.3699G>T, p.Gly1233= (NM_001394201.1); c.3615G>T, p.Gly1205= (NM_001394202.1, NM_001394203.1).
Identifiers: ClinVar variation 4534975 (VCV004534975.6).

ClinVar aggregate classification (germline): Likely benign (1 of 4 stars; one submission).

Submission:

CeGaT Center for Human Genetics Tuebingen
Classification: Likely benign. Last evaluated: 2025-10-01. Review status: criteria provided, single submitter. Criteria: CeGaT Center For Human Genetics Tuebingen Variant Classification Criteria Version 2. Collection method: clinical testing. Allele origin: germline. Affected: yes. Observed: 1 variant allele.
Comment: SNAPC4: PM2:Supporting, BP4, BP7